The following is an entry in ClinVar:

NM_015062.5(PPRC1):c.2986A>C (p.Thr996Pro)

Gene: PPRC1 (PPARG related coactivator 1; plus strand). Cytogenetic location: 10q24.32.
Variant type: single nucleotide variant.
Coding change: c.2986A>C on transcript NM_015062.5 (MANE Select); coding-DNA position 2986, A replaced by C.
Protein change: p.Thr996Pro; replaces threonine 996 with proline.
Molecular consequence: missense variant.
Genome position (GRCh38, 1-based): chr10:102,141,494, A>C. VCF-style: chr10-102141494-A-C. GRCh37 (hg19) VCF-style: chr10-103901251-A-C.
Other names: c.2986A>C, p.Thr996Pro (NM_001288727.2); c.2626A>C, p.Thr876Pro (NM_001288728.2); short protein forms T996P, T876P.
Identifiers: ClinVar variation 5027243 (VCV005027243.1).

ClinVar aggregate classification (germline): Uncertain significance (1 of 4 stars; one submission).

gnomAD v4.1: 13 of 1,613,604 alleles (0.00081%); highest among the groups gnomAD compares: African/African-American, 0.0094%; no homozygotes.

Submission:

Ambry Genetics
Classification: Uncertain significance. Last evaluated: 2026-09-02. Review status: criteria provided, single submitter. Criteria: Ambry Variant Classification Scheme 2023. Collection method: clinical testing. Allele origin: germline.
Comment: The c.2986A>C (p.T996P) alteration is located in exon 5 (coding exon 5) of the PPRC1 gene. This alteration results from a A to C substitution at nucleotide position 2986, causing the threonine (T) at amino acid position 996 to be replaced by a proline (P). Based on data from gnomAD, the C allele has an overall frequency of 0.001% (2/281956) total alleles studied. The highest observed frequency was 0.014% (1/7196) of Other alleles. Based on insufficient or conflicting evidence, the clinical significance of this alteration remains unclear.